The following is an entry in ClinVar:

ClinVar aggregate classification (germline): Uncertain significance (1 of 4 stars; one submission).

Submission:

GeneDx
Classification: Uncertain significance. Last evaluated: 2026-03-14. Review status: criteria provided, single submitter. Criteria: GeneDx Variant Classification Process June 2021. Collection method: clinical testing. Allele origin: germline.
Comment: Not observed at significant frequency in large population cohorts (gnomAD); In silico analysis supports that this missense variant has a deleterious effect on protein structure/function; Has not been previously published as pathogenic or benign to our knowledge

NM_006445.4(PRPF8):c.4715C>G (p.Ser1572Cys)

Gene: PRPF8 (pre-mRNA processing factor 8; minus strand). Cytogenetic location: 17p13.3.
Variant type: single nucleotide variant.
Coding change: c.4715C>G on transcript NM_006445.4 (MANE Select); coding-DNA position 4715, C replaced by G.
Protein change: p.Ser1572Cys; replaces serine 1572 with cysteine.
Molecular consequence: missense variant.
Genome position (GRCh38, 1-based): chr17:1,660,502, G>C on the plus strand (C>G on the coding strand, the complement: PRPF8 is on the minus strand). VCF-style: chr17-1660502-G-C. GRCh37 (hg19) VCF-style: chr17-1563796-G-C.
Other names: short protein forms S1572C.
Identifiers: ClinVar variation 5009161 (VCV005009161.1).
Genomic context (GRCh38, chr17:1,660,502, plus strand): 5'-TCCATAACAATGCTCTCATGGATCTTCTGCCACAAGTGAGCTCGGAAGATCTGGATGAGA[G>C]AGATCTTCAGCGTGGGGATCTTGCCGTGCATGAAGATACCCGTCAGGTCTAGCTGCACCT-3'
Protein context (NP_006436.3, residues 1562-1582): MHGKIPTLKI[Ser1572Cys]LIQIFRAHLW